The following is an entry in ClinVar:

ClinVar aggregate classification (germline): Uncertain significance (1 of 4 stars; one submission).

Allele frequency attached by ClinVar (database versions not stated): gnomAD exomes below 0.00001.
gnomAD v4.1: 2 of 1,210,681 alleles (0.00017%); highest among the groups gnomAD compares: Middle Eastern, 0.046%; no homozygotes.

Submission:

Labcorp Genetics (formerly Invitae), Labcorp
Classification: Uncertain significance. Last evaluated: 2024-09-05. Review status: criteria provided, single submitter. Criteria: Invitae Variant Classification Sherloc (09022015). Collection method: clinical testing. Allele origin: germline.
Comment: This sequence change replaces phenylalanine, which is neutral and non-polar, with leucine, which is neutral and non-polar, at codon 820 of the USP9X protein (p.Phe820Leu). This variant is not present in population databases (gnomAD no frequency). This variant has not been reported in the literature in individuals affected with USP9X-related conditions. An algorithm developed to predict the effect of missense changes on protein structure and function (PolyPhen-2) suggests that this variant is likely to be disruptive. In summary, the available evidence is currently insufficient to determine the role of this variant in disease. Therefore, it has been classified as a Variant of Uncertain Significance.

NM_001039591.3(USP9X):c.2458T>C (p.Phe820Leu)

Gene: USP9X (ubiquitin specific peptidase 9 X-linked; plus strand). Cytogenetic location: Xp11.4.
Variant type: single nucleotide variant.
Coding change: c.2458T>C on transcript NM_001039591.3 (MANE Select); coding-DNA position 2458, T replaced by C.
Protein change: p.Phe820Leu; replaces phenylalanine 820 with leucine.
Molecular consequence: missense variant.
Genome position (GRCh38, 1-based): chrX:41,168,040, T>C. VCF-style: chrX-41168040-T-C. GRCh37 (hg19) VCF-style: chrX-41027293-T-C.
Other names: c.2458T>C, p.Phe820Leu (NM_001039590.3); c.2473T>C, p.Phe825Leu (NM_001410748.1, NM_001410749.1); short protein forms F825L, F820L.
Identifiers: ClinVar variation 2808540 (VCV002808540.3), dbSNP rs2519218454, ClinGen allele CA412756499.